The following is an entry in ClinVar:

NM_172107.4(KCNQ2):c.409T>G (p.Phe137Val)

Gene: KCNQ2 (potassium voltage-gated channel subfamily Q member 2; minus strand). Cytogenetic location: 20q13.33.
Variant type: single nucleotide variant.
Coding change: c.409T>G on transcript NM_172107.4 (MANE Select); coding-DNA position 409, T replaced by G.
Protein change: p.Phe137Val; replaces phenylalanine 137 with valine.
Molecular consequence: missense variant.
Genome position (GRCh38, 1-based): chr20:63,445,343, A>C on the plus strand (T>G on the coding strand, the complement: KCNQ2 is on the minus strand). VCF-style: chr20-63445343-A-C. GRCh37 (hg19) VCF-style: chr20-62076696-A-C.
Other names: c.409T>G, p.Phe137Val (NM_001382235.1, NM_004518.6, NM_172106.3 and 2 more transcripts); short protein forms F137V.
Identifiers: ClinVar variation 1704657 (VCV001704657.6), dbSNP rs2081380963, ClinGen allele CA409655553.

ClinVar aggregate classification (germline): Uncertain significance. Review status: criteria provided, multiple submitters, no conflicts (2 of 4 stars). 2 submissions from 2 submitters: Uncertain significance (2). Last evaluated 2024-09-19.

Conditions:
Early-infantile DEE. Also called: Early infantile epileptic encephalopathy with suppression bursts; Early infantile epileptic encephalopathy; Ohtahara syndrome. Identifiers: Orphanet 1934, MedGen C0393706, MONDO:0800491.

Allele frequency attached by ClinVar (database versions not stated): TOPMed 0.00001; gnomAD exomes below 0.00001.
gnomAD v4.1: 1 of 1,613,804 alleles (0.000062%); highest among the groups gnomAD compares: African/African-American, 0.0013%; no homozygotes.

Submissions (2):

GeneDx
Classification: Uncertain significance. Last evaluated: 2024-09-19. Review status: criteria provided, single submitter. Criteria: GeneDx Variant Classification Process June 2021. Collection method: clinical testing. Allele origin: germline. Affected: yes.
Comment: Not observed at significant frequency in large population cohorts (gnomAD); In silico analysis supports that this missense variant has a deleterious effect on protein structure/function; Has not been previously published as pathogenic or benign to our knowledge; This variant is associated with the following publications: (PMID: 23797855)

Labcorp Genetics (formerly Invitae), Labcorp
Classification: Uncertain significance for Early-infantile DEE. Last evaluated: 2023-05-11. Review status: criteria provided, single submitter. Criteria: Invitae Variant Classification Sherloc (09022015). Collection method: clinical testing. Allele origin: germline.
Comment: In summary, the available evidence is currently insufficient to determine the role of this variant in disease. Therefore, it has been classified as a Variant of Uncertain Significance. Experimental studies have shown that this missense change does not substantially affect KCNQ2 function (PMID: 23797855). Advanced modeling of protein sequence and biophysical properties (such as structural, functional, and spatial information, amino acid conservation, physicochemical variation, residue mobility, and thermodynamic stability) performed at Invitae indicates that this missense variant is expected to disrupt KCNQ2 protein function. ClinVar contains an entry for this variant (Variation ID: 1704657). This variant has not been reported in the literature in individuals affected with KCNQ2-related conditions. This variant is not present in population databases (gnomAD no frequency). This sequence change replaces phenylalanine, which is neutral and non-polar, with valine, which is neutral and non-polar, at codon 137 of the KCNQ2 protein (p.Phe137Val).

Literature cited by the submitters: PubMed 23797855 (cited by Labcorp Genetics (formerly Invitae), Labcorp).